The following is an entry in ClinVar:

ClinVar aggregate classification (germline): Uncertain significance (1 of 4 stars; one submission).

Conditions:
Ehlers-Danlos syndrome, classic type, 1 (EDSCL1). Also called: Ehlers-Danlos syndrome, type 1; Ehlers-Danlos Syndrome, Classic Type, COL5A1-Related; EDS I; EHLERS-DANLOS SYNDROME, GRAVIS TYPE; EHLERS-DANLOS SYNDROME, SEVERE CLASSIC TYPE. Identifiers: MedGen C0268335, MONDO:0019567, OMIM 130000.

Submission:

Labcorp Genetics (formerly Invitae), Labcorp
Classification: Uncertain significance for Ehlers-Danlos syndrome, classic type, 1. Last evaluated: 2022-09-20. Review status: criteria provided, single submitter. Criteria: Invitae Variant Classification Sherloc (09022015). Collection method: clinical testing. Allele origin: germline.
Comment: This variant is not present in population databases (gnomAD no frequency). In summary, the available evidence is currently insufficient to determine the role of this variant in disease. Therefore, it has been classified as a Variant of Uncertain Significance. Experimental studies and prediction algorithms are not available or were not evaluated, and the functional significance of this variant is currently unknown. ClinVar contains an entry for this variant (Variation ID: 848492). This variant has not been reported in the literature in individuals affected with COL5A2-related conditions. This variant, c.188_193del, results in the deletion of 2 amino acid(s) of the COL5A2 protein (p.Val63_Cys64del), but otherwise preserves the integrity of the reading frame.

NM_000393.5(COL5A2):c.182TCTGTG[1] (p.Val63_Cys64del)

Gene: COL5A2 (collagen type V alpha 2 chain; minus strand). Cytogenetic location: 2q32.2.
Variant type: Microsatellite.
Coding change: c.182TCTGTG[1] on transcript NM_000393.5 (MANE Select); one copy of the 6-base unit TCTGTG starting at c.182; the reference has two copies in a row; one copy, 6 bases deleted.
Protein change: p.Val63_Cys64del.
Molecular consequence: inframe deletion.
Genome position (GRCh38, 1-based): chr2:189,110,354-189,110,359, CACAGA deleted on the plus strand (TCTGTG on the coding strand, the reverse complement: COL5A2 is on the minus strand); deleting any 6 consecutive bases within chr2:189,110,354-189,110,365 gives the same sequence; the position shown is the placement nearest the transcript's 3' end. VCF-style (leftmost placement, unchanged base first): chr2-189110353-TCACAGA-T. GRCh37 (hg19) VCF-style: chr2-189975079-TCACAGA-T.
Identifiers: ClinVar variation 848492 (VCV000848492.11), dbSNP rs1687236750, ClinGen allele CA916082269.
Genomic context (GRCh38, chr2:189,110,353, plus strand): 5'-GGGTCGGCACAGTCCAGCACATCCTGGCATTCTATCTTGTCACAGAGAATGGCTCCATTG[TCACAGA>T]CACAGATCTGACAAGGGGCAGGTTTCCAAATGTCCCTGTTTAAGTACATCTGGCCATTCT-3'